The following is an entry in ClinVar:

ClinVar aggregate classification (germline): Pathogenic. Review status: reviewed by expert panel (3 of 4 stars). 5 submissions from 5 submitters: Pathogenic (1). 4 of the submissions do not count toward it. Last evaluated 2016-09-08.

Conditions:
Hereditary cancer-predisposing syndrome. Also called: Hereditary Cancer Syndrome; Hereditary neoplastic syndrome; Neoplastic Syndromes, Hereditary; Tumor predisposition. Identifiers: Orphanet 140162, MedGen C0027672, MeSH D009386, MONDO:0015356.
Breast-ovarian cancer, familial, susceptibility to, 1 (BROVCA1). Also called: BRCA1 Hereditary Breast and Ovarian Cancer; OVARIAN CANCER, SUSCEPTIBILITY TO. Identifiers: Orphanet 145, MedGen C2676676, MONDO:0011450, OMIM 604370. Disease mechanism: loss of function.
Hereditary breast ovarian cancer syndrome. Also called: BRCA1- and BRCA2-Associated Hereditary Breast and Ovarian Cancer; Hereditary breast and ovarian cancer syndrome; Hereditary breast and ovarian cancer syndrome (HBOC); Breast and ovarian cancer; Hereditary breast and/or ovarian cancer syndrome; Hereditary breast and ovarian cancer. Identifiers: Orphanet 145, MedGen C0677776, MeSH D061325, MONDO:0003582. Disease mechanism: loss of function.

Submissions (5):

Evidence-based Network for the Interpretation of Germline Mutant Alleles (ENIGMA)
Classification: Pathogenic for Breast-ovarian cancer, familial, susceptibility to, 1. Last evaluated: 2016-09-08. Review status: reviewed by expert panel. Criteria: ENIGMA BRCA1/2 Classification Criteria (2015). Collection method: curation. Allele origin: germline.
Comment: Variant allele predicted to encode a truncated non-functional protein.

Labcorp Genetics (formerly Invitae), Labcorp
Classification: Pathogenic for Hereditary breast ovarian cancer syndrome. Last evaluated: 2025-11-12. Review status: criteria provided, single submitter. Criteria: Invitae Variant Classification Sherloc (09022015). Collection method: clinical testing. Allele origin: germline. Not counted in ClinVar's aggregate classification.
Comment: This sequence change creates a premature translational stop signal (p.Gln1518*) in the BRCA1 gene. RNA analysis indicates that this premature translational stop signal induces altered splicing and may result in an absent or altered protein product. This variant is not present in population databases (gnomAD no frequency). This premature translational stop signal has been observed in individual(s) with breast and/or ovarian cancer (PMID: 23479189, 28664449, 30702160). ClinVar contains an entry for this variant (Variation ID: 55226). Studies have shown that this premature translational stop signal results in skipping of exon 14, and produces a non-functional protein and/or introduces a premature termination codon (internal data). For these reasons, this variant has been classified as Pathogenic.

GeneDx
Classification: Pathogenic. Last evaluated: 2024-01-29. Review status: criteria provided, single submitter. Criteria: GeneDx Variant Classification Process June 2021. Collection method: clinical testing. Allele origin: germline. Affected: yes. Not counted in ClinVar's aggregate classification.
Comment: Nonsense variant predicted to result in protein truncation or nonsense mediated decay in a gene for which loss of function is a known mechanism of disease; Truncating variants in this gene are considered pathogenic by a well-established clinical consortium and/or database; Not observed at significant frequency in large population cohorts (gnomAD); Observed in individuals with breast cancer (PMID: 23479189, 30982232, 28664449); Also known as 4671C>T; This variant is associated with the following publications: (PMID: 23479189, 30982232, 28664449, 30702160, 31825140, 34413315)

Ambry Genetics
Classification: Pathogenic for Hereditary cancer-predisposing syndrome. Last evaluated: 2023-01-11. Review status: criteria provided, single submitter. Criteria: Ambry Variant Classification Scheme 2023. Collection method: clinical testing. Allele origin: germline. Not counted in ClinVar's aggregate classification.
Comment: The p.Q1518* pathogenic mutation (also known as c.4552C>T), located in coding exon 13 of the BRCA1 gene, results from a C to T substitution at nucleotide position 4552. This changes the amino acid from a glutamine to a stop codon within coding exon 13. This alteration has been identified in multiple individuals diagnosed with breast and/or ovarian cancer (Li G et al. J Cancer Res Clin Oncol, 2017 Oct;143:2011-2024; Wang J et al. Cancer Med, 2019 May;8:2074-2084; Herzog JS et al. NPJ Breast Cancer, 2021 Aug;7:107). This variant is considered to be rare based on population cohorts in the Genome Aggregation Database (gnomAD). In addition to the clinical data presented in the literature, this alteration is expected to result in loss of function by premature protein truncation or nonsense-mediated mRNA decay. As such, this alteration is interpreted as a disease-causing mutation.

Breast Cancer Information Core (BIC) (BRCA1)
Classification: Pathogenic for Breast-ovarian cancer, familial 1. Last evaluated: 2004-02-20. Review status: no assertion criteria provided. Collection method: clinical testing. Allele origin: germline. Affected: yes. Observed: 1 variant allele. Not counted in ClinVar's aggregate classification.

Literature cited by the submitters: PubMed 23479189 (cited by Labcorp Genetics (formerly Invitae), Labcorp); PubMed 28664449 (cited by Labcorp Genetics (formerly Invitae), Labcorp and Ambry Genetics); PubMed 30702160 (cited by Labcorp Genetics (formerly Invitae), Labcorp); PubMed 30982232 (cited by Ambry Genetics); PubMed 34413315 (cited by Ambry Genetics).

NM_007294.4(BRCA1):c.4552C>T (p.Gln1518Ter)

Gene: BRCA1 (BRCA1 DNA repair associated; minus strand). Cytogenetic location: 17q21.31.
Variant type: single nucleotide variant.
Coding change: c.4552C>T on transcript NM_007294.4 (MANE Select); coding-DNA position 4552, C replaced by T.
Protein change: p.Gln1518Ter; replaces glutamine 1518 with a stop codon.
Molecular consequence: nonsense. On other transcripts: non-coding transcript variant (1).
Genome position (GRCh38, 1-based): chr17:43,074,454, G>A on the plus strand (C>T on the coding strand, the complement: BRCA1 is on the minus strand). VCF-style: chr17-43074454-G-A. GRCh37 (hg19) VCF-style: chr17-41226471-G-A.
Other names: c.4339C>T, p.Gln1447Ter (NM_001407910.1, NM_001407894.1, NM_001407895.1 and 12 more transcripts); c.4336C>T, p.Gln1446Ter (NM_001407915.1, NM_001407916.1, NM_001407917.1 and 1 more transcripts); c.4429C>T, p.Gln1477Ter (NM_001407919.1, NM_001407937.1, NM_001407938.1 and 6 more transcripts); c.4288C>T, p.Gln1430Ter (NM_001407920.1, NM_001407921.1, NM_001407922.1 and 4 more transcripts); c.4405C>T, p.Gln1469Ter (NM_001407853.1, NM_001407846.1, NM_001407847.1 and 12 more transcripts); c.4552C>T, p.Gln1518Ter (NM_001407854.1, NM_001407684.1, NM_001407593.1 and 8 more transcripts); c.4549C>T, p.Gln1517Ter (NM_001407858.1, NM_001407617.1, NM_001407618.1 and 17 more transcripts); c.4342C>T, p.Gln1448Ter (NM_001407882.1, NM_001407884.1, NM_001407885.1 and 5 more transcripts); and 68 more; short protein forms Q1518*, Q1539*, Q1471*, Q414*, Q247*, Q333*, Q366*, Q373*.
Identifiers: ClinVar variation 55226 (VCV000055226.15), dbSNP rs80356881, ClinGen allele CA002902.
Genomic context (GRCh38, chr17:43,074,454, plus strand): 5'-GTTGCTCCTCCACATCAACAACCTTAATGAGCTCCTCTTGAGATGGGTAGTTTCTATTCT[G>A]AAGACTCCCAGAGCAACTGTGCATGTACCACCTATCATCTAATGATGGGCATTTAGAAGG-3'